The following is an entry in ClinVar:

ClinVar aggregate classification (germline): Benign (1 of 4 stars; one submission).

Allele frequency attached by ClinVar (database versions not stated): gnomAD exomes 0.25104; gnomAD 0.26721; 1000 Genomes Project 30x 0.30044; 1000 Genomes Project 0.30591.
gnomAD v4.1: 351,024 of 1,388,318 alleles (25%); highest among the groups gnomAD compares: East Asian, 46%; 45,987 homozygotes.

Submission:

Unidad de Genómica Garrahan, Hospital de Pediatría Garrahan
Classification: Benign. Last evaluated: 2024-01-24. Review status: criteria provided, single submitter. Criteria: ACMG Guidelines, 2015. Collection method: clinical testing. Allele origin: germline. Affected: no. Observed: 53 variant alleles.
Comment: This variant is classified as Benign based on local population frequency. This variant was detected in 56% of patients studied by a panel of primary immunodeficiencies. Number of patients: 53. Only high quality variants are reported.

NM_182919.4(TICAM1):c.*91T>G

Gene: TICAM1 (TIR domain containing adaptor molecule 1; minus strand). Cytogenetic location: 19p13.3.
Variant type: single nucleotide variant.
Coding change: c.*91T>G on transcript NM_182919.4 (MANE Select); 91 bases downstream of the stop codon, T replaced by G.
Molecular consequence: 3 prime UTR variant.
Genome position (GRCh38, 1-based): chr19:4,816,148, A>C on the plus strand (T>G on the coding strand, the complement: TICAM1 is on the minus strand). VCF-style: chr19-4816148-A-C. GRCh37 (hg19) VCF-style: chr19-4816160-A-C.
Other names: c.*91T>G (NM_001385678.1, NM_001385679.1, NM_001385680.1).
Identifiers: ClinVar variation 2688085 (VCV002688085.2), dbSNP rs8120, ClinGen allele CA14652584.